The following is an entry in ClinVar:

ClinVar aggregate classification (germline): Uncertain significance. Review status: criteria provided, multiple submitters, no conflicts (2 of 4 stars). 2 submissions from 2 submitters: Uncertain significance (2). Last evaluated 2025-02-01.

Allele frequency attached by ClinVar (database versions not stated): TOPMed below 0.00001; gnomAD 0.00001; gnomAD exomes 0.00002.
gnomAD v4.1: 31 of 1,612,184 alleles (0.0019%); highest among the groups gnomAD compares: Non-Finnish European, 0.0025%; no homozygotes.

Submissions (2):

Ambry Genetics
Classification: Uncertain significance. Last evaluated: 2025-02-01. Review status: criteria provided, single submitter. Criteria: Ambry Variant Classification Scheme 2023. Collection method: clinical testing. Allele origin: germline.

Labcorp Genetics (formerly Invitae), Labcorp
Classification: Uncertain significance. Last evaluated: 2023-10-10. Review status: criteria provided, single submitter. Criteria: Invitae Variant Classification Sherloc (09022015). Collection method: clinical testing. Allele origin: germline.
Comment: This sequence change replaces isoleucine, which is neutral and non-polar, with methionine, which is neutral and non-polar, at codon 342 of the RASA2 protein (p.Ile342Met). This variant is not present in population databases (gnomAD no frequency). This variant has not been reported in the literature in individuals affected with RASA2-related conditions. Advanced modeling of protein sequence and biophysical properties (such as structural, functional, and spatial information, amino acid conservation, physicochemical variation, residue mobility, and thermodynamic stability) performed at Invitae indicates that this missense variant is expected to disrupt RASA2 protein function. In summary, the available evidence is currently insufficient to determine the role of this variant in disease. Therefore, it has been classified as a Variant of Uncertain Significance.

NM_006506.5(RASA2):c.1026A>G (p.Ile342Met)

Gene: RASA2 (RAS p21 protein activator 2; plus strand). Cytogenetic location: 3q23.
Variant type: single nucleotide variant.
Coding change: c.1026A>G on transcript NM_006506.5 (MANE Select); coding-DNA position 1026, A replaced by G.
Protein change: p.Ile342Met; replaces isoleucine 342 with methionine.
Molecular consequence: missense variant.
Genome position (GRCh38, 1-based): chr3:141,571,411, A>G. VCF-style: chr3-141571411-A-G. GRCh37 (hg19) VCF-style: chr3-141290253-A-G.
Other names: c.1026A>G, p.Ile342Met (NM_001303245.3, NM_001303246.3); c.1026A>G (NM_006506.2); short protein forms I342M.
Identifiers: ClinVar variation 2974508 (VCV002974508.4), dbSNP rs948436770, ClinGen allele CA84646298.